The following is an entry in ClinVar:

ClinVar aggregate classification (germline): Benign (1 of 4 stars; one submission).

Conditions:
MELAS syndrome (MELAS). Also called: Juvenile myopathy, encephalopathy, lactic acidosis, stroke. Identifiers: Orphanet 550, MedGen C0162671, MONDO:0010789, OMIM 540000.

Submission:

Wong Mito Lab, Molecular and Human Genetics, Baylor College of Medicine
Classification: Benign for MELAS syndrome. Last evaluated: 2019-07-12. Review status: criteria provided, single submitter. Criteria: Modified ACMG Guidelines (Unpublished). Collection method: clinical testing. Allele origin: germline.
Comment: The NC_012920.1:m.5515A>G variant in MT-TW gene is interpreted to be a Benign variant based on the modified ACMG guidelines (unpublished). This variant meets the following evidence codes reported in the guidelines: BS1, BS2, BP4, BP5, BP6

Literature cited by the submitters: PubMed 31965079.

NC_012920.1(MT-TW):m.5515A>G

Gene: MT-TW (mitochondrially encoded tRNA tryptophan; plus strand).
Variant type: single nucleotide variant.
Genome position: chrM-5515-A-G.
Identifiers: ClinVar variation 689923 (VCV000689923.1), dbSNP rs1603220000, ClinGen allele CA913179715.